The following is an entry in ClinVar:

NM_201269.2(ZNF644):c.-219C>A

Gene: ZNF644 (zinc finger protein 644; minus strand). Cytogenetic location: 1p22.2.
Variant type: single nucleotide variant.
Coding change: c.-219C>A on transcript NM_201269.2; 219 bases upstream of the start codon, C replaced by A.
Genome position (GRCh38, 1-based): chr1:91,022,191, G>T on the plus strand (C>A on the coding strand, the complement: ZNF644 is on the minus strand). VCF-style: chr1-91022191-G-T. GRCh37 (hg19) VCF-style: chr1-91487748-G-T.
Identifiers: ClinVar variation 1685223 (VCV001685223.2), dbSNP rs1250305120, ClinGen allele CA524591976.

ClinVar aggregate classification (germline): Conflicting classifications of pathogenicity. Review status: criteria provided, conflicting classifications (1 of 4 stars). 2 submissions from 2 submitters: Uncertain significance (1); Likely benign (1). Last evaluated 2025-01-07.

Conditions:
ZNF644-related disorder. Also called: ZNF644-related condition.

Allele frequency attached by ClinVar (database versions not stated): TOPMed 0.00008; 1000 Genomes Project 30x 0.00016; gnomAD 0.00004 and 0.00003; gnomAD exomes 0.00010.

Submissions (2):

PreventionGenetics, part of Exact Sciences
Classification: Likely benign for ZNF644-related condition. Last evaluated: 2025-01-07. Review status: criteria provided, single submitter. Criteria: ACMG Guidelines, 2015. Collection method: clinical testing. Allele origin: germline.
Comment: This variant is classified as likely benign based on ACMG/AMP sequence variant interpretation guidelines (Richards et al. 2015 PMID: 25741868, with internal and published modifications).

Mendelics
Classification: Uncertain significance. Last evaluated: 2022-05-04. Review status: criteria provided, single submitter. Criteria: Mendelics Assertion Criteria 2019. Collection method: clinical testing. Allele origin: germline.